The following is an entry in ClinVar:

ClinVar aggregate classification (germline): Conflicting classifications of pathogenicity. Review status: criteria provided, conflicting classifications (1 of 4 stars). 2 submissions from 2 submitters: Pathogenic (1); Uncertain significance (1). Last evaluated 2024-12-01.

Submissions (2):

CeGaT Center for Human Genetics Tuebingen
Classification: Pathogenic. Last evaluated: 2024-12-01. Review status: criteria provided, single submitter. Criteria: CeGaT Center For Human Genetics Tuebingen Variant Classification Criteria Version 2. Collection method: clinical testing. Allele origin: germline. Affected: yes. Observed: 1 variant allele.
Comment: TEX15: PVS1, PM2, PM3

Mendelics
Classification: Uncertain significance. Last evaluated: 2022-05-04. Review status: criteria provided, single submitter. Criteria: Mendelics Assertion Criteria 2019. Collection method: clinical testing. Allele origin: germline.

NM_001350162.2(TEX15):c.2574_2577del (p.Thr859fs)

Gene: TEX15 (testis expressed 15, meiosis and synapsis associated; minus strand). Cytogenetic location: 8p12.
Variant type: Microsatellite.
Coding change: c.2574_2577del on transcript NM_001350162.2 (MANE Select); coding-DNA positions 2574 to 2577, 4 bases deleted (AACA; older notation c.2574_2577delAACA).
Protein change: p.Thr859fs; shifts the reading frame from threonine 859.
Molecular consequence: frameshift variant.
Genome position (GRCh38, 1-based): chr8:30,847,590-30,847,593, TGTT deleted on the plus strand (AACA on the coding strand, the reverse complement: TEX15 is on the minus strand); deleting any 4 consecutive bases within chr8:30,847,590-30,847,598 gives the same sequence; the c. name uses the placement nearest the transcript's 3' end. VCF-style (leftmost placement, unchanged base first): chr8-30847589-CTGTT-C. GRCh37 (hg19) VCF-style: chr8-30705105-CTGTT-C.
Other names: short protein forms T859fs.
Identifiers: ClinVar variation 1685173 (VCV001685173.14), dbSNP rs565708396, ClinGen allele CA4703411.